The following is an entry in ClinVar:

NM_001134831.2(AHI1):c.2623+1G>T

Gene: AHI1 (Abelson helper integration site 1; minus strand). Cytogenetic location: 6q23.3.
Variant type: single nucleotide variant.
Coding change: c.2623+1G>T on transcript NM_001134831.2 (MANE Select); the canonical splice donor site of the intron after coding-DNA position 2623, G replaced by T.
Molecular consequence: splice donor variant.
Genome position (GRCh38, 1-based): chr6:135,428,628, C>A on the plus strand (G>T on the coding strand, the complement: AHI1 is on the minus strand). VCF-style: chr6-135428628-C-A. GRCh37 (hg19) VCF-style: chr6-135749766-C-A.
Other names: c.2623+1G>T (NM_001134830.2, NM_001350503.2, NM_017651.5 and 2 more transcripts).
Identifiers: ClinVar variation 638504 (VCV000638504.13), dbSNP rs751823180, ClinGen allele CA365741985.

ClinVar aggregate classification (germline): Pathogenic. Review status: criteria provided, multiple submitters, no conflicts (2 of 4 stars). 6 submissions from 6 submitters: Pathogenic (6). Last evaluated 2025-08-04.

Conditions:
Joubert syndrome 1 (JBTS1). Also called: CEREBELLOPARENCHYMAL DISORDER IV; Cerebellooculorenal syndrome 1. Identifiers: MedGen C4551568, MONDO:0008944, OMIM 213300.
Joubert syndrome. Also called: JOUBERT-BOLTSHAUSER SYNDROME; Familial aplasia of the vermis. Identifiers: Orphanet 475, MedGen C5979921, MONDO:0018772.
Retinal dystrophy. Also called: Inherited retinal dystrophy. Identifiers: Orphanet 71862, MedGen C0854723, MeSH D058499, MONDO:0019118, HP:0000556.
Joubert syndrome 3 (JBTS3). Also called: AHI1-related Ciliopathy. Identifiers: Orphanet 220493, MedGen C1837713, MONDO:0012078, OMIM 608629.

gnomAD v4.1: 1 of 1,596,816 alleles (0.000063%); highest among the groups gnomAD compares: Non-Finnish European, 0.000085%; no homozygotes.

Submissions (6):

First Genomix Gene Laboratory, Genetic Diagnostics Department
Classification: Pathogenic for Joubert syndrome 3. Last evaluated: 2025-08-04. Review status: criteria provided, single submitter. Criteria: ACMG Guidelines, 2015. Collection method: clinical testing. Allele origin: germline. Inheritance: Autosomal recessive inheritance. Affected: no. Observed: 1 variant allele.

Labcorp Genetics (formerly Invitae), Labcorp
Classification: Pathogenic for Joubert syndrome. Last evaluated: 2023-06-06. Review status: criteria provided, single submitter. Criteria: Invitae Variant Classification Sherloc (09022015). Collection method: clinical testing. Allele origin: germline.
Comment: For these reasons, this variant has been classified as Pathogenic. Algorithms developed to predict the effect of sequence changes on RNA splicing suggest that this variant may disrupt the consensus splice site. ClinVar contains an entry for this variant (Variation ID: 638504). Disruption of this splice site has been observed in individual(s) with Joubert syndrome (PMID: 32865313). This variant is not present in population databases (gnomAD no frequency). This sequence change affects a donor splice site in intron 18 of the AHI1 gene. It is expected to disrupt RNA splicing. Variants that disrupt the donor or acceptor splice site typically lead to a loss of protein function (PMID: 16199547), and loss-of-function variants in AHI1 are known to be pathogenic (PMID: 15322546, 16453322, 28442542, 29186038).

Institute of Human Genetics, Univ. Regensburg, Univ. Regensburg
Classification: Pathogenic for Retinal dystrophy. Last evaluated: 2022-01-01. Review status: criteria provided, single submitter. Criteria: ACMG Guidelines, 2015. Collection method: clinical testing. Allele origin: germline. Affected: yes.

Mendelics
Classification: Pathogenic for Joubert syndrome 1. Last evaluated: 2019-05-28. Review status: criteria provided, single submitter. Criteria: Mendelics Assertion Criteria 2017. Collection method: clinical testing. Allele origin: unknown.

Genomic Research Center, Shahid Beheshti University of Medical Sciences
Classification: Pathogenic for Joubert syndrome 3. Last evaluated: 2019-04-27. Review status: criteria provided, single submitter. Criteria: ACMG Guidelines, 2015. Collection method: clinical testing. Allele origin: inherited. Affected: yes.

Kariminejad - Najmabadi Pathology & Genetics Center
Classification: Pathogenic for Joubert syndrome 3. Review status: criteria provided, single submitter. Criteria: ACMG Guidelines, 2015. Collection method: clinical testing. Allele origin: germline. Affected: no.

Literature cited by the submitters: PubMed 32865313 (cited by Labcorp Genetics (formerly Invitae), Labcorp and Institute of Human Genetics, Univ. Regensburg, Univ. Regensburg); PubMed 16199547 (cited by Labcorp Genetics (formerly Invitae), Labcorp); PubMed 15322546 (cited by Labcorp Genetics (formerly Invitae), Labcorp); PubMed 16453322 (cited by Labcorp Genetics (formerly Invitae), Labcorp); PubMed 28442542 (cited by Labcorp Genetics (formerly Invitae), Labcorp); PubMed 29186038 (cited by Labcorp Genetics (formerly Invitae), Labcorp).